The following is an entry in ClinVar:

ClinVar aggregate classification (germline): Likely benign. Review status: criteria provided, multiple submitters, no conflicts (2 of 4 stars). 5 submissions from 5 submitters: Likely benign (4). 1 of the submissions does not count toward it. Last evaluated 2026-07-01.

Conditions:
DNAJC6-related disorder. Also called: DNAJC6-Related Disorders; DNAJC6-related condition.
Juvenile onset Parkinson disease 19A. Also called: PARK19; DNAJC6 Parkinson Disease. Identifiers: Orphanet 391411, MedGen C3809811, MONDO:0014231, OMIM 615528.

Allele frequency attached by ClinVar (database versions not stated): gnomAD exomes 0.00077 and 0.00119; ExAC 0.00127; ESP Exome Variant Server 0.00192; gnomAD 0.00224 and 0.00237; TOPMed 0.00277; 1000 Genomes Project 0.00280; 1000 Genomes Project 30x 0.00328.
gnomAD v4.1: 1,521 of 1,604,832 alleles (0.095%); highest among the groups gnomAD compares: Middle Eastern, 0.61%; 2 homozygotes.

Submissions (5):

CeGaT Center for Human Genetics Tuebingen
Classification: Likely benign. Last evaluated: 2026-07-01. Review status: criteria provided, single submitter. Criteria: CeGaT Center For Human Genetics Tuebingen Variant Classification Criteria Version 2. Collection method: clinical testing. Allele origin: germline. Affected: yes. Observed: 3 variant alleles.
Comment: DNAJC6: BP4

Labcorp Genetics (formerly Invitae), Labcorp
Classification: Likely benign for Juvenile onset Parkinson disease 19A. Last evaluated: 2025-12-22. Review status: criteria provided, single submitter. Criteria: Invitae Variant Classification Sherloc (09022015). Collection method: clinical testing. Allele origin: germline.

Blueprint Genetics
Classification: Likely benign. Last evaluated: 2024-11-07. Review status: criteria provided, single submitter. Criteria: ACMG Guidelines, 2015. Collection method: clinical testing. Allele origin: germline.

GeneDx
Classification: Likely benign. Last evaluated: 2019-07-26. Review status: criteria provided, single submitter. Criteria: GeneDx Variant Classification Process June 2021. Collection method: clinical testing. Allele origin: germline. Affected: yes.

PreventionGenetics, part of Exact Sciences
Classification: Likely benign for DNAJC6-related condition. Last evaluated: 2019-06-07. Review status: no assertion criteria provided. Collection method: clinical testing. Allele origin: germline. Not counted in ClinVar's aggregate classification.
Comment: This variant is classified as likely benign based on ACMG/AMP sequence variant interpretation guidelines (Richards et al. 2015 PMID: 25741868, with internal and published modifications).

NM_001256864.2(DNAJC6):c.1492T>A (p.Cys498Ser)

Gene: DNAJC6 (DnaJ heat shock protein family (Hsp40) member C6; plus strand). Cytogenetic location: 1p31.3.
Variant type: single nucleotide variant.
Coding change: c.1492T>A on transcript NM_001256864.2 (MANE Select); coding-DNA position 1492, T replaced by A.
Protein change: p.Cys498Ser; replaces cysteine 498 with serine.
Molecular consequence: missense variant.
Genome position (GRCh38, 1-based): chr1:65,392,454, T>A. VCF-style: chr1-65392454-T-A. GRCh37 (hg19) VCF-style: chr1-65858137-T-A.
Other names: c.1282T>A, p.Cys428Ser (NM_001256865.2); c.1321T>A, p.Cys441Ser (NM_014787.4); short protein forms C441S, C428S, C498S.
Identifiers: ClinVar variation 703945 (VCV000703945.57), dbSNP rs145329294, ClinGen allele CA893944.